The following is an entry in ClinVar:

ClinVar aggregate classification (germline): Pathogenic (1 of 4 stars; one submission).

Conditions:
Cockayne syndrome type 1. Also called: Cockayne syndrome type I; Cockayne syndrome classical; Cockayne syndrome classic form. Identifiers: Orphanet 191, Orphanet 90321, MedGen C0751039, MONDO:0019569, OMIM 216400.

Submission:

Myriad Genetics, Inc.
Classification: Pathogenic for Cockayne syndrome type 1. Last evaluated: 2026-05-03. Review status: criteria provided, single submitter. Criteria: Myriad Autosomal Dominant, Autosomal Recessive and X-Linked Classification Criteria (2023). Collection method: clinical testing. Allele origin: unknown.
Comment: NM_000082.3(ERCC8):c.686_689delATAA(H229Lfs*40) is expected to be pathogenic in the context of ERCC8-related disorders. This variant is predicted to lead to an abnormal or absent protein product due to the creation of a premature termination codon in ERCC8, a gene where loss-of-function variants are known to be pathogenic. Please note: this variant was assessed in the context of healthy population screening.

NM_000082.4(ERCC8):c.686_689del (p.His229fs)

Gene: ERCC8 (ERCC excision repair 8, CSA ubiquitin ligase complex subunit; minus strand). Cytogenetic location: 5q12.1.
Variant type: Deletion.
Coding change: c.686_689del on transcript NM_000082.4 (MANE Select); coding-DNA positions 686 to 689, 4 bases deleted (ATAA; older notation c.686_689delATAA).
Protein change: p.His229fs; shifts the reading frame from histidine 229.
Molecular consequence: frameshift variant.
Genome position (GRCh38, 1-based): chr5:60,899,656-60,899,659, TTAT deleted on the plus strand (ATAA on the coding strand, the reverse complement: ERCC8 is on the minus strand). VCF-style (leftmost placement, unchanged base first): chr5-60899655-ATTAT-A. GRCh37 (hg19) VCF-style: chr5-60195482-ATTAT-A.
Other names: c.512_515del, p.His171fs (NM_001007233.3); c.227_230del, p.His76fs (NM_001290285.2); short protein forms H171fs, H229fs, H76fs.
Identifiers: ClinVar variation 5015867 (VCV005015867.1).